The following is an entry in ClinVar:

NM_001375567.1(FOCAD):c.4236C>G (p.Leu1412=)

Gene: FOCAD (focadhesin; plus strand). Cytogenetic location: 9p21.3.
Variant type: single nucleotide variant.
Coding change: c.4236C>G on transcript NM_001375567.1 (MANE Select); coding-DNA position 4236, C replaced by G.
Protein change: p.Leu1412=; no amino-acid change (leucine 1412 retained).
Molecular consequence: synonymous variant.
Genome position (GRCh38, 1-based): chr9:20,976,523, C>G. VCF-style: chr9-20976523-C-G. GRCh37 (hg19) VCF-style: chr9-20976522-C-G.
Other names: c.4131C>G, p.Leu1377= (NM_001375568.1, NM_001375570.1); c.4236C>G, p.Leu1412= (NM_017794.5).
Identifiers: ClinVar variation 3029400 (VCV003029400.3), dbSNP rs375569425, ClinGen allele CA5007868.

ClinVar aggregate classification (germline): Uncertain significance. Review status: criteria provided, single submitter (1 of 4 stars). 2 submissions from 2 submitters: Uncertain significance (1). 1 of the submissions does not count toward it. Last evaluated 2025-02-17.

Conditions:
FOCAD-related disorder. Also called: FOCAD-related condition.

Allele frequency attached by ClinVar (database versions not stated): ExAC 0.00005; gnomAD 0.00015; TOPMed 0.00015; ESP Exome Variant Server 0.00023; 1000 Genomes Project 0.00060; 1000 Genomes Project 30x 0.00094.

Submissions (2):

Labcorp Genetics (formerly Invitae), Labcorp
Classification: Uncertain significance. Last evaluated: 2025-02-17. Review status: criteria provided, single submitter. Criteria: Invitae Variant Classification Sherloc (09022015). Collection method: clinical testing. Allele origin: germline.
Comment: This sequence change affects codon 1412 of the FOCAD mRNA. It is a 'silent' change, meaning that it does not change the encoded amino acid sequence of the FOCAD protein. This variant is present in population databases (rs375569425, gnomAD 0.04%). This variant has not been reported in the literature in individuals affected with FOCAD-related conditions. ClinVar contains an entry for this variant (Variation ID: 3029400). Experimental studies and prediction algorithms are not available or were not evaluated, and the effect of this variant on mRNA splicing is currently unknown. In summary, the available evidence is currently insufficient to determine the role of this variant in disease. Therefore, it has been classified as a Variant of Uncertain Significance.

PreventionGenetics, part of Exact Sciences
Classification: Likely benign for FOCAD-related condition. Last evaluated: 2022-02-10. Review status: no assertion criteria provided. Collection method: clinical testing. Allele origin: germline. Not counted in ClinVar's aggregate classification.
Comment: This variant is classified as likely benign based on ACMG/AMP sequence variant interpretation guidelines (Richards et al. 2015 PMID: 25741868, with internal and published modifications).